The following is an entry in ClinVar:

NM_015215.4(CAMTA1):c.1193C>T (p.Thr398Met)

Gene: CAMTA1 (calmodulin binding transcription activator 1; plus strand). Cytogenetic location: 1p36.23.
Variant type: single nucleotide variant.
Coding change: c.1193C>T on transcript NM_015215.4 (MANE Select); coding-DNA position 1193, C replaced by T.
Protein change: p.Thr398Met; replaces threonine 398 with methionine.
Molecular consequence: missense variant.
Genome position (GRCh38, 1-based): chr1:7,663,740, C>T. VCF-style: chr1-7663740-C-T. GRCh37 (hg19) VCF-style: chr1-7723800-C-T.
Other names: c.1103C>T, p.Thr368Met (NM_001349608.2, NM_001349612.2); c.1193C>T, p.Thr398Met (NM_001349609.2, NM_001349610.2, NM_001410737.1); c.1121C>T, p.Thr374Met (NM_001410738.1); short protein forms T374M, T398M, T368M.
Identifiers: ClinVar variation 3021961 (VCV003021961.3), dbSNP rs765946618, ClinGen allele CA566393.
Genomic context (GRCh38, chr1:7,663,740, plus strand): 5'-TCACAGGTGTGTCCGGTATGGCGGTGGCCTCTGTGATGGGGAGCTTGTCCCAGAGCGCCA[C>T]GGTGTTCATGTCAGAGGTCACCAATGAGGCCGTGTACACCATGTCCCCCACCGCTGGCCC-3'
Protein context (NP_056030.1, residues 388-408): SVMGSLSQSA[Thr398Met]VFMSEVTNEA

ClinVar aggregate classification (germline): Uncertain significance (1 of 4 stars; one submission).

Allele frequency attached by ClinVar (database versions not stated): gnomAD exomes 0.00001; TOPMed 0.00001; ExAC 0.00002; gnomAD 0.00002.
gnomAD v4.1: 16 of 1,613,886 alleles (0.00099%); highest among the groups gnomAD compares: African/African-American, 0.004%; no homozygotes.

Submission:

Labcorp Genetics (formerly Invitae), Labcorp
Classification: Uncertain significance. Last evaluated: 2022-12-06. Review status: criteria provided, single submitter. Criteria: Invitae Variant Classification Sherloc (09022015). Collection method: clinical testing. Allele origin: germline.
Comment: This sequence change replaces threonine, which is neutral and polar, with methionine, which is neutral and non-polar, at codon 398 of the CAMTA1 protein (p.Thr398Met). This variant is present in population databases (rs765946618, gnomAD 0.008%). This variant has not been reported in the literature in individuals affected with CAMTA1-related conditions. Algorithms developed to predict the effect of missense changes on protein structure and function are either unavailable or do not agree on the potential impact of this missense change (SIFT: "Deleterious"; PolyPhen-2: "Probably Damaging"; Align-GVGD: "Class C0"). In summary, the available evidence is currently insufficient to determine the role of this variant in disease. Therefore, it has been classified as a Variant of Uncertain Significance.